The following is an entry in ClinVar:

NM_000026.4(ADSL):c.183A>C (p.Gln61His)

Gene: ADSL (adenylosuccinate lyase; plus strand). Cytogenetic location: 22q13.1.
Variant type: single nucleotide variant.
Coding change: c.183A>C on transcript NM_000026.4 (MANE Select); coding-DNA position 183, A replaced by C.
Protein change: p.Gln61His; replaces glutamine 61 with histidine.
Molecular consequence: missense variant. On other transcripts: 5 prime UTR variant (1), non-coding transcript variant (1).
Genome position (GRCh38, 1-based): chr22:40,349,861, A>C. VCF-style: chr22-40349861-A-C. GRCh37 (hg19) VCF-style: chr22-40745865-A-C.
Other names: c.183A>C, p.Gln61His (NM_001123378.3, NM_001363840.3); c.-10A>C (NM_001317923.2); short protein forms Q61H.
Identifiers: ClinVar variation 644664 (VCV000644664.11), dbSNP rs1601551862, ClinGen allele CA411634146.
Genomic context (GRCh38, chr22:40,349,861, plus strand): 5'-ACTATTTTATTTTATTTTGCCTATTCTGCAGACATTGGGTTTGCCTATCACAGATGAACA[A>C]ATCCAGGAGATGAAATCAAACCTGGAGAACATCGACTTCAAGATGGCAGCTGAGGAAGAG-3'
Protein context (NP_000017.1, residues 51-71): QTLGLPITDE[Gln61His]IQEMKSNLEN

ClinVar aggregate classification (germline): Conflicting classifications of pathogenicity. Review status: criteria provided, conflicting classifications (1 of 4 stars). 2 submissions from 2 submitters: Pathogenic (1); Uncertain significance (1). Last evaluated 2023-03-02.

Conditions:
Adenylosuccinate lyase deficiency (ADSLD). Also called: ADSL DEFICIENCY. Identifiers: Orphanet 46, MedGen C0268126, MONDO:0007068, OMIM 103050.

Submissions (2):

GeneDx
Classification: Uncertain significance. Last evaluated: 2023-03-02. Review status: criteria provided, single submitter. Criteria: GeneDx Variant Classification Process June 2021. Collection method: clinical testing. Allele origin: germline. Affected: yes.
Comment: Not observed at significant frequency in large population cohorts (gnomAD); In silico analysis supports that this missense variant has a deleterious effect on protein structure/function; Has not been previously published as pathogenic or benign to our knowledge

Labcorp Genetics (formerly Invitae), Labcorp
Classification: Pathogenic for Adenylosuccinate lyase deficiency. Last evaluated: 2022-04-25. Review status: criteria provided, single submitter. Criteria: Invitae Variant Classification Sherloc (09022015). Collection method: clinical testing. Allele origin: germline.
Comment: This sequence change replaces glutamine, which is neutral and polar, with histidine, which is basic and polar, at codon 61 of the ADSL protein (p.Gln61His). ClinVar contains an entry for this variant (Variation ID: 644664). This missense change has been observed in individual(s) with clinical features of ADSL-related conditions (Invitae). It has also been observed to segregate with disease in related individuals. This variant is not present in population databases (gnomAD no frequency). For these reasons, this variant has been classified as Pathogenic. Advanced modeling of protein sequence and biophysical properties (such as structural, functional, and spatial information, amino acid conservation, physicochemical variation, residue mobility, and thermodynamic stability) performed at Invitae indicates that this missense variant is expected to disrupt ADSL protein function.